The following is an entry in ClinVar:

NM_001123385.2(BCOR):c.850G>A (p.Asp284Asn)

Genes: BCOR (BCL6 corepressor; minus strand), LOC126863239 (MED14-independent group 3 enhancer GRCh37_chrX:39932994-39934193; plus strand). Cytogenetic location: Xp11.4.
Variant type: single nucleotide variant.
Coding change: c.850G>A on transcript NM_001123385.2 (MANE Select); coding-DNA position 850, G replaced by A.
Protein change: p.Asp284Asn; replaces aspartic acid 284 with asparagine.
Molecular consequence: missense variant.
Genome position (GRCh38, 1-based): chrX:40,074,496, C>T on the plus strand (G>A on the coding strand, the complement: BCOR is on the minus strand). VCF-style: chrX-40074496-C-T. GRCh37 (hg19) VCF-style: chrX-39933749-C-T.
Other names: c.850G>A, p.Asp284Asn (NM_001123383.2, NM_001123384.2, NM_017745.6); short protein forms D284N.
Identifiers: ClinVar variation 434510 (VCV000434510.9), dbSNP rs977644059, ClinGen allele CA327993713.

ClinVar aggregate classification (germline): Uncertain significance. Review status: criteria provided, multiple submitters, no conflicts (2 of 4 stars). 3 submissions from 3 submitters: Uncertain significance (3). Last evaluated 2025-11-17.

Conditions:
BCOR-related disorder. Also called: BCOR-related disorders; BCOR-related condition.
Oculofaciocardiodental syndrome (MCOPS2). Identifiers: Orphanet 2712, MedGen C1846265, MONDO:0010261, OMIM 300166.

Allele frequency attached by ClinVar (database versions not stated): gnomAD exomes 0.00003 and 0.00009; TOPMed 0.00003; gnomAD 0.00008.
gnomAD v4.1: 112 of 1,205,070 alleles (0.0093%); highest among the groups gnomAD compares: Non-Finnish European, 0.011%; no homozygotes.

Submissions (3):

PreventionGenetics, part of Exact Sciences
Classification: Uncertain significance for BCOR-related condition. Last evaluated: 2025-11-17. Review status: criteria provided, single submitter. Criteria: ACMG Guidelines, 2015. Collection method: clinical testing. Allele origin: germline.
Comment: The BCOR c.850G>A variant is predicted to result in the amino acid substitution p.Asp284Asn. To our knowledge, this variant has not been reported in the literature. This variant is present in 0.0073% of alleles in individuals of European (Non-Finnish) descent in gnomAD. At this time, the clinical significance of this variant is uncertain due to the absence of conclusive functional and genetic evidence.

Labcorp Genetics (formerly Invitae), Labcorp
Classification: Uncertain significance for Oculofaciocardiodental syndrome. Last evaluated: 2024-06-03. Review status: criteria provided, single submitter. Criteria: Invitae Variant Classification Sherloc (09022015). Collection method: clinical testing. Allele origin: germline.
Comment: This sequence change replaces aspartic acid, which is acidic and polar, with asparagine, which is neutral and polar, at codon 284 of the BCOR protein (p.Asp284Asn). This variant is present in population databases (no rsID available, gnomAD 0.006%). This variant has not been reported in the literature in individuals affected with BCOR-related conditions. ClinVar contains an entry for this variant (Variation ID: 434510). An algorithm developed to predict the effect of missense changes on protein structure and function (PolyPhen-2) suggests that this variant is likely to be disruptive. In summary, the available evidence is currently insufficient to determine the role of this variant in disease. Therefore, it has been classified as a Variant of Uncertain Significance.

Genetic Services Laboratory, University of Chicago
Classification: Uncertain significance. Last evaluated: 2016-06-29. Review status: criteria provided, single submitter. Criteria: ACMG Guidelines, 2015. Collection method: clinical testing. Allele origin: germline. Affected: no.